The following is an entry in ClinVar:

ClinVar aggregate classification (germline): Likely benign. Review status: criteria provided, multiple submitters, no conflicts (2 of 4 stars). 3 submissions from 3 submitters: Likely benign (3). Last evaluated 2026-05-21.

Conditions:
COL2A1-related disorder. Also called: COL2A1-related condition; COL2A1-related disorders.

Allele frequency attached by ClinVar (database versions not stated): gnomAD 0.00002; gnomAD exomes 0.00002 and 0.00003; TOPMed 0.00002; ExAC 0.00003.
gnomAD v4.1: 52 of 1,613,966 alleles (0.0032%); highest among the groups gnomAD compares: South Asian, 0.0066%; no homozygotes.

Submissions (3):

PreventionGenetics, part of Exact Sciences
Classification: Likely benign for COL2A1-related condition. Last evaluated: 2026-05-21. Review status: criteria provided, single submitter. Criteria: ACMG Guidelines, 2015. Collection method: clinical testing. Allele origin: germline.
Comment: This variant is classified as likely benign based on ACMG/AMP sequence variant interpretation guidelines (Richards et al. 2015 PMID: 25741868, with internal and published modifications).

Labcorp Genetics (formerly Invitae), Labcorp
Classification: Likely benign. Last evaluated: 2025-11-25. Review status: criteria provided, single submitter. Criteria: Invitae Variant Classification Sherloc (09022015). Collection method: clinical testing. Allele origin: germline.

Blueprint Genetics
Classification: Likely benign. Last evaluated: 2024-10-23. Review status: criteria provided, single submitter. Criteria: ACMG Guidelines, 2015. Collection method: clinical testing. Allele origin: germline.

NM_001844.5(COL2A1):c.4431C>T (p.Phe1477=)

Gene: COL2A1 (collagen type II alpha 1 chain; minus strand). Cytogenetic location: 12q13.11.
Variant type: single nucleotide variant.
Coding change: c.4431C>T on transcript NM_001844.5 (MANE Select); coding-DNA position 4431, C replaced by T.
Protein change: p.Phe1477=; no amino-acid change (phenylalanine 1477 retained).
Molecular consequence: synonymous variant.
Genome position (GRCh38, 1-based): chr12:47,973,440, G>A on the plus strand (C>T on the coding strand, the complement: COL2A1 is on the minus strand). VCF-style: chr12-47973440-G-A. GRCh37 (hg19) VCF-style: chr12-48367223-G-A.
Other names: c.4224C>T, p.Phe1408= (NM_033150.3); c.4431C>T (NM_001844.4).
Identifiers: ClinVar variation 1665756 (VCV001665756.10), dbSNP rs746611653, ClinGen allele CA6534453.
Genomic context (GRCh38, chr12:47,973,440, plus strand): 5'-GATTGTGTTGTTTCTGGGTTCAGGTTTTTACAAGAAGCAGACCGGCCCTATGTCCACACC[G>A]AATTCCTGCTCGGGCCCTCCTATGTCCATGGGTGCAATGTCAATGATGGGGAGGCGTGAG-3'
Protein context (NP_001835.3, residues 1467-1487): PMDIGGPEQE[Phe1477=]GVDIGPVCFL